The following is an entry in ClinVar:

ClinVar aggregate classification (germline): Uncertain significance. Review status: reviewed by expert panel (3 of 4 stars). 2 submissions from 2 submitters: Uncertain significance (1). 1 of the submissions does not count toward it. Last evaluated 2024-10-29.

Conditions:
Hereditary thrombocytopenia and hematologic cancer predisposition syndrome. Identifiers: Orphanet 71290, MedGen CN281654, MONDO:0011071.
Hereditary thrombocytopenia and hematological cancer predisposition syndrome associated with RUNX1. Also called: PLATELET DISORDER, ASPIRIN-LIKE; Familial Platelet Disorder with Propensity to Acute Myelogenous Leukemia; Familial thrombocytopenia with propensity to acute myelogenous leukemia; RUNX1 Familial Platelet Disorder with Associated Myeloid Malignancies. Identifiers: Orphanet 71290, MedGen C1832388, MeSH C563324, MONDO:0100083, OMIM 601399.

Submissions (2):

ClinGen Myeloid Malignancy Variant Curation Expert Panel
Classification: Uncertain significance for Hereditary thrombocytopenia and hematologic cancer predisposition syndrome. Last evaluated: 2024-10-29. Review status: reviewed by expert panel. Criteria: ClinGen MyeloMalig ACMG Specifications v2. Collection method: curation. Allele origin: germline. Inheritance: Autosomal dominant inheritance.
Comment: NM_001754.5(RUNX1):c.206G>A (p.Gly69Asp) is a missense variant which is completely absent from all population databases with at least 20x coverage for RUNX1 (PM2_Supporting). In summary, the clinical significance of this variant is uncertain. ACMG/AMP criteria applied, as specified by the Myeloid Malignancy Variant Curation Expert Panel for RUNX1: PM2_supporting.

Labcorp Genetics (formerly Invitae), Labcorp
Classification: Uncertain significance for Hereditary thrombocytopenia and hematological cancer predisposition syndrome associated with RUNX1. Last evaluated: 2020-10-11. Review status: criteria provided, single submitter. Criteria: Invitae Variant Classification Sherloc (09022015). Collection method: clinical testing. Allele origin: germline. Not counted in ClinVar's aggregate classification.
Comment: This sequence change replaces glycine with aspartic acid at codon 69 of the RUNX1 protein (p.Gly69Asp). The glycine residue is moderately conserved and there is a moderate physicochemical difference between glycine and aspartic acid. This variant is not present in population databases (ExAC no frequency). This variant has not been reported in the literature in individuals with RUNX1-related conditions. Algorithms developed to predict the effect of missense changes on protein structure and function are either unavailable or do not agree on the potential impact of this missense change (SIFT: "Deleterious"; PolyPhen-2: "Possibly Damaging"; Align-GVGD: "Class C0"). In summary, the available evidence is currently insufficient to determine the role of this variant in disease. Therefore, it has been classified as a Variant of Uncertain Significance.

NM_001754.5(RUNX1):c.206G>A (p.Gly69Asp)

Gene: RUNX1 (RUNX family transcription factor 1; minus strand). Cytogenetic location: 21q22.12.
Variant type: single nucleotide variant.
Coding change: c.206G>A on transcript NM_001754.5 (MANE Select); coding-DNA position 206, G replaced by A.
Protein change: p.Gly69Asp; replaces glycine 69 with aspartic acid.
Molecular consequence: missense variant.
Genome position (GRCh38, 1-based): chr21:34,886,988, C>T on the plus strand (G>A on the coding strand, the complement: RUNX1 is on the minus strand). VCF-style: chr21-34886988-C-T. GRCh37 (hg19) VCF-style: chr21-36259285-C-T.
Other names: NM_001754.5(RUNX1):c.206G>A; p.Gly69Asp; c.125G>A, p.Gly42Asp (NM_001001890.3, NM_001122607.2); short protein forms G42D, G69D.
Identifiers: ClinVar variation 1063502 (VCV001063502.10), dbSNP rs769235124, ClinGen allele CA410203907.
Genomic context (GRCh38, chr21:34,886,988, plus strand): 5'-AGCTCGCCCGGGTGGTCGGCCAGCACCTCCACCATGCTGCGGTCGCCGCTCCTCAGCTTG[C>T]CGGCCAGGGCAGCGCCGGCGTCCGGGGCGCCCAGCGGCAACGCCTCGCTCATCTTGCCTG-3'
Protein context (NP_001745.2, residues 59-79): GAPDAGAALA[Gly69Asp]KLRSGDRSMV